The following is an entry in ClinVar:

ClinVar aggregate classification (germline): Uncertain significance (1 of 4 stars; one submission).

gnomAD v4.1: 14 of 1,603,404 alleles (0.00087%); highest among the groups gnomAD compares: Admixed American, 0.013%; no homozygotes.

Submission:

Athena Diagnostics
Classification: Uncertain significance. Last evaluated: 2024-03-12. Review status: criteria provided, single submitter. Criteria: Athena Diagnostics Criteria. Collection method: clinical testing. Allele origin: unknown.
Comment: Available data are insufficient to determine the clinical significance of the variant at this time. The frequency of this variant in the general population is higher than would generally be expected for pathogenic variants in this gene. Computational tools yielded predictions that this variant may result in the gain of a cryptic splice site without affecting the natural splice sites.

NM_006946.4(SPTBN2):c.5016G>A (p.Val1672=)

Gene: SPTBN2 (spectrin beta, non-erythrocytic 2; minus strand). Cytogenetic location: 11q13.2.
Variant type: single nucleotide variant.
Coding change: c.5016G>A on transcript NM_006946.4 (MANE Select); coding-DNA position 5016, G replaced by A.
Protein change: p.Val1672=; no amino-acid change (valine 1672 retained).
Molecular consequence: synonymous variant.
Genome position (GRCh38, 1-based): chr11:66,692,710, C>T on the plus strand (G>A on the coding strand, the complement: SPTBN2 is on the minus strand). VCF-style: chr11-66692710-C-T. GRCh37 (hg19) VCF-style: chr11-66460181-C-T.
Other names: c.5037G>A, p.Val1679= (NM_001411025.1).
Identifiers: ClinVar variation 3571574 (VCV003571574.1).